The following is an entry in ClinVar:

NM_000918.4(P4HB):c.281A>G (p.Tyr94Cys)

Gene: P4HB (prolyl 4-hydroxylase subunit beta; minus strand). Cytogenetic location: 17q25.3.
Variant type: single nucleotide variant.
Coding change: c.281A>G on transcript NM_000918.4 (MANE Select); coding-DNA position 281, A replaced by G.
Protein change: p.Tyr94Cys; replaces tyrosine 94 with cysteine.
Molecular consequence: missense variant.
Genome position (GRCh38, 1-based): chr17:81,859,252, T>C on the plus strand (A>G on the coding strand, the complement: P4HB is on the minus strand). VCF-style: chr17-81859252-T-C. GRCh37 (hg19) VCF-style: chr17-79817128-T-C.
Other names: short protein forms Y94C.
Identifiers: ClinVar variation 716235 (VCV000716235.15), dbSNP rs144034161, ClinGen allele CA8843034.

ClinVar aggregate classification (germline): Benign/Likely benign. Review status: criteria provided, multiple submitters, no conflicts (2 of 4 stars). 4 submissions from 4 submitters: Benign (1); Likely benign (2). 1 of the submissions does not count toward it. Last evaluated 2026-01-12.

Conditions:
P4HB-related disorder. Also called: P4HB-related condition.

Allele frequency attached by ClinVar (database versions not stated): gnomAD exomes 0.00030 and 0.00081; ExAC 0.00088; 1000 Genomes Project 0.00280; gnomAD 0.00309 and 0.00336; 1000 Genomes Project 30x 0.00328; TOPMed 0.00334; ESP Exome Variant Server 0.00377.

Submissions (4):

Labcorp Genetics (formerly Invitae), Labcorp
Classification: Benign. Last evaluated: 2026-01-12. Review status: criteria provided, single submitter. Criteria: Invitae Variant Classification Sherloc (09022015). Collection method: clinical testing. Allele origin: germline.

GeneDx
Classification: Likely benign. Last evaluated: 2020-12-07. Review status: criteria provided, single submitter. Criteria: GeneDx Variant Classification Process June 2021. Collection method: clinical testing. Allele origin: germline. Affected: yes.

Breakthrough Genomics
Classification: Likely benign. Review status: criteria provided, single submitter. Criteria: ACMG Guidelines, 2015. Collection method: not provided. Allele origin: germline. Inheritance: Autosomal dominant inheritance. Affected: yes.

PreventionGenetics, part of Exact Sciences
Classification: Benign for P4HB-related condition. Last evaluated: 2019-08-01. Review status: no assertion criteria provided. Collection method: clinical testing. Allele origin: germline. Not counted in ClinVar's aggregate classification.
Comment: This variant is classified as benign based on ACMG/AMP sequence variant interpretation guidelines (Richards et al. 2015 PMID: 25741868, with internal and published modifications).